The following is an entry in ClinVar:

ClinVar aggregate classification (germline): Uncertain significance (1 of 4 stars; one submission).

Conditions:
Dyskeratosis congenita, autosomal dominant 6 (DKCA6). Identifiers: Orphanet 3322, MedGen C4225284, MONDO:0014690, OMIM 616553.

Submission:

Labcorp Genetics (formerly Invitae), Labcorp
Classification: Uncertain significance for Dyskeratosis congenita, autosomal dominant 6. Last evaluated: 2023-12-08. Review status: criteria provided, single submitter. Criteria: Invitae Variant Classification Sherloc (09022015). Collection method: clinical testing. Allele origin: germline.
Comment: This sequence change replaces serine, which is neutral and polar, with arginine, which is basic and polar, at codon 310 of the ACD protein (p.Ser310Arg). This variant is not present in population databases (gnomAD no frequency). This variant has not been reported in the literature in individuals affected with ACD-related conditions. Advanced modeling of protein sequence and biophysical properties (such as structural, functional, and spatial information, amino acid conservation, physicochemical variation, residue mobility, and thermodynamic stability) performed at Invitae indicates that this missense variant is expected to disrupt ACD protein function with a positive predictive value of 80%. In summary, the available evidence is currently insufficient to determine the role of this variant in disease. Therefore, it has been classified as a Variant of Uncertain Significance.

NM_001082486.2(ACD):c.672C>G (p.Ser224Arg)

Gene: ACD (ACD shelterin complex subunit and telomerase recruitment factor; minus strand). Cytogenetic location: 16q22.1.
Variant type: single nucleotide variant.
Coding change: c.672C>G on transcript NM_001082486.2 (MANE Select); coding-DNA position 672, C replaced by G.
Protein change: p.Ser224Arg; replaces serine 224 with arginine.
Molecular consequence: missense variant.
Genome position (GRCh38, 1-based): chr16:67,658,790, G>C on the plus strand (C>G on the coding strand, the complement: ACD is on the minus strand). VCF-style: chr16-67658790-G-C. GRCh37 (hg19) VCF-style: chr16-67692693-G-C.
Other names: c.672C>G, p.Ser224Arg (NM_001410884.1); c.663C>G, p.Ser221Arg (NM_022914.3); short protein forms S224R, S221R.
Identifiers: ClinVar variation 2701452 (VCV002701452.3), dbSNP rs759305698, ClinGen allele CA396353670.
Genomic context (GRCh38, chr16:67,658,790, plus strand): 5'-CTGACAGGGGCCTAGAGAGCTCAGAATTAGCTGGTCATTCTCAGAGATGCACAGCATTGA[G>C]CTGGGGACAGTGTACACAGCTTCTCCCTGTGGGACATGAACTCTGTAGGACAGGCCCGTT-3'
Protein context (NP_001075955.2, residues 214-234): ATGEAVYTVP[Ser224Arg]SMLCISENDQ